The following is an entry in ClinVar:

NM_001813.3(CENPE):c.6572T>C (p.Ile2191Thr)

Gene: CENPE (centromere protein E; minus strand). Cytogenetic location: 4q24.
Variant type: single nucleotide variant.
Coding change: c.6572T>C on transcript NM_001813.3 (MANE Select); coding-DNA position 6572, T replaced by C.
Protein change: p.Ile2191Thr; replaces isoleucine 2191 with threonine.
Molecular consequence: missense variant.
Genome position (GRCh38, 1-based): chr4:103,133,843, A>G on the plus strand (T>C on the coding strand, the complement: CENPE is on the minus strand). VCF-style: chr4-103133843-A-G. GRCh37 (hg19) VCF-style: chr4-104055000-A-G.
Other names: c.6209T>C, p.Ile2070Thr (NM_001286734.2); short protein forms I2070T, I2191T.
Identifiers: ClinVar variation 4686129 (VCV004686129.1).

ClinVar aggregate classification (germline): Uncertain significance (1 of 4 stars; one submission).

Submission:

GeneDx
Classification: Uncertain significance. Last evaluated: 2025-07-15. Review status: criteria provided, single submitter. Criteria: GeneDx Variant Classification Process June 2021. Collection method: clinical testing. Allele origin: germline. Affected: yes.
Comment: In silico analysis suggests that this missense variant does not alter protein structure/function; Has not been previously published as pathogenic or benign to our knowledge; This variant is associated with the following publications: (PMID: 22974711)